The following is an entry in ClinVar:

NM_022552.5(DNMT3A):c.2478+1G>A

Gene: DNMT3A (DNA methyltransferase 3 alpha; minus strand). Cytogenetic location: 2p23.3.
Variant type: single nucleotide variant.
Coding change: c.2478+1G>A on transcript NM_022552.5 (MANE Select); the canonical splice donor site of the intron after coding-DNA position 2478, G replaced by A.
Molecular consequence: splice donor variant.
Genome position (GRCh38, 1-based): chr2:25,236,935, C>T on the plus strand (G>A on the coding strand, the complement: DNMT3A is on the minus strand). VCF-style: chr2-25236935-C-T. GRCh37 (hg19) VCF-style: chr2-25459804-C-T.
Other names: c.2478+1G>A (NM_175629.2); c.1911+1G>A (NM_153759.3); c.2022+1G>A (NM_001320893.1); c.1809+1G>A (NM_001375819.1).
Identifiers: ClinVar variation 1210909 (VCV001210909.5), dbSNP rs762213449, ClinGen allele CA1555570.

ClinVar aggregate classification (germline): Pathogenic/Likely pathogenic. Review status: criteria provided, multiple submitters, no conflicts (2 of 4 stars). 2 submissions from 2 submitters: Pathogenic (1); Likely pathogenic (1). Last evaluated 2024-05-22.

Conditions:
Tatton-Brown-Rahman overgrowth syndrome. Also called: Tall stature-intellectual disability-facial dysmorphism syndrome; Tatton-Brown-Rahman syndrome. Identifiers: Orphanet 404443, MedGen C4014545, MONDO:0014382, OMIM 615879.

Allele frequency attached by ClinVar (database versions not stated): gnomAD 0.00001; ExAC 0.00002.
gnomAD v4.1: 10 of 1,612,460 alleles (0.00062%); highest among the groups gnomAD compares: South Asian, 0.0022%; no homozygotes.

Submissions (2):

Labcorp Genetics (formerly Invitae), Labcorp
Classification: Likely pathogenic for Tatton-Brown-Rahman overgrowth syndrome. Last evaluated: 2024-05-22. Review status: criteria provided, single submitter. Criteria: Invitae Variant Classification Sherloc (09022015). Collection method: clinical testing. Allele origin: germline.
Comment: This sequence change affects a donor splice site in intron 21 of the DNMT3A gene. It is expected to disrupt RNA splicing. Variants that disrupt the donor or acceptor splice site typically lead to a loss of protein function (PMID: 16199547), and loss-of-function variants in DNMT3A are known to be pathogenic (PMID: 24614070). The frequency data for this variant in the population databases is considered unreliable, as metrics indicate poor data quality at this position in the gnomAD database. This variant has not been reported in the literature in individuals affected with DNMT3A-related conditions. ClinVar contains an entry for this variant (Variation ID: 1210909). Algorithms developed to predict the effect of sequence changes on RNA splicing suggest that this variant may disrupt the consensus splice site. In summary, the currently available evidence indicates that the variant is pathogenic, but additional data are needed to prove that conclusively. Therefore, this variant has been classified as Likely Pathogenic.

GeneDx
Classification: Pathogenic. Last evaluated: 2019-12-16. Review status: criteria provided, single submitter. Criteria: GeneDx Variant Classification Process June 2021. Collection method: clinical testing. Allele origin: germline. Affected: yes.
Comment: Canonical splice site variant in a gene for which loss-of-function is a known mechanism of disease; Not observed in large population cohorts (Lek et al., 2016); This variant is associated with the following publications: (PMID: 27795557)

Literature cited by the submitters: PubMed 16199547 (cited by Labcorp Genetics (formerly Invitae), Labcorp); PubMed 24614070 (cited by Labcorp Genetics (formerly Invitae), Labcorp).